The following is an entry in ClinVar:

NM_012431.3(SEMA3E):c.320T>A (p.Met107Lys)

Gene: SEMA3E (semaphorin 3E; minus strand). Cytogenetic location: 7q21.11.
Variant type: single nucleotide variant.
Coding change: c.320T>A on transcript NM_012431.3 (MANE Select); coding-DNA position 320, T replaced by A.
Protein change: p.Met107Lys; replaces methionine 107 with lysine.
Molecular consequence: missense variant.
Genome position (GRCh38, 1-based): chr7:83,469,259, A>T on the plus strand (T>A on the coding strand, the complement: SEMA3E is on the minus strand). VCF-style: chr7-83469259-A-T. GRCh37 (hg19) VCF-style: chr7-83098575-A-T.
Other names: c.140T>A, p.Met47Lys (NM_001178129.2); short protein forms M47K, M107K.
Identifiers: ClinVar variation 836153 (VCV000836153.8), dbSNP rs1429296509, ClinGen allele CA367936110.

ClinVar aggregate classification (germline): Uncertain significance. Review status: criteria provided, multiple submitters, no conflicts (2 of 4 stars). 2 submissions from 2 submitters: Uncertain significance (2). Last evaluated 2024-10-24.

Conditions:
CHARGE syndrome (CHARGE). Also called: Hittner Hirsch Kreh syndrome; CHARGE ASSOCIATION--COLOBOMA, HEART ANOMALY, CHOANAL ATRESIA, RETARDATION, GENITAL AND EAR ANOMALIES; Coloboma, heart anomaly, choanal atresia, retardation, genital and ear anomalies; CHARGE association; Hall-Hittner syndrome. Identifiers: Orphanet 138, MedGen C0265354, MONDO:0008965.
Hypogonadotropic hypogonadism 7 with or without anosmia (HH7). Also called: GNRHR-Related GnRH Deficiency; HYPOGONADOTROPIC HYPOGONADISM 7 WITHOUT ANOSMIA. Identifiers: Orphanet 432, MedGen C0342384, MONDO:0007794, OMIM 146110.

Allele frequency attached by ClinVar (database versions not stated): gnomAD exomes below 0.00001.

Submissions (2):

Labcorp Genetics (formerly Invitae), Labcorp
Classification: Uncertain significance for CHARGE syndrome. Last evaluated: 2024-10-24. Review status: criteria provided, single submitter. Criteria: Invitae Variant Classification Sherloc (09022015). Collection method: clinical testing. Allele origin: germline.
Comment: This sequence change replaces methionine, which is neutral and non-polar, with lysine, which is basic and polar, at codon 107 of the SEMA3E protein (p.Met107Lys). This variant is present in population databases (no rsID available, gnomAD 0.0009%). This variant has not been reported in the literature in individuals affected with SEMA3E-related conditions. ClinVar contains an entry for this variant (Variation ID: 836153). Invitae Evidence Modeling of protein sequence and biophysical properties (such as structural, functional, and spatial information, amino acid conservation, physicochemical variation, residue mobility, and thermodynamic stability) indicates that this missense variant is not expected to disrupt SEMA3E protein function with a negative predictive value of 80%. In summary, the available evidence is currently insufficient to determine the role of this variant in disease. Therefore, it has been classified as a Variant of Uncertain Significance.

Fulgent Genetics
Classification: Uncertain significance for Hypogonadotropic hypogonadism 7 with or without anosmia; CHD7-related CHARGE syndrome. Last evaluated: 2022-05-28. Review status: criteria provided, single submitter. Criteria: ACMG Guidelines, 2015. Collection method: clinical testing. Allele origin: unknown.